The following is an entry in ClinVar:

ClinVar aggregate classification (germline): Uncertain significance (1 of 4 stars; one submission).

Conditions:
Adams-Oliver syndrome 5 (AOS5). Identifiers: Orphanet 974, MedGen C4014970, MONDO:0014459, OMIM 616028.

Submission:

Labcorp Genetics (formerly Invitae), Labcorp
Classification: Uncertain significance for Adams-Oliver syndrome 5. Last evaluated: 2024-04-03. Review status: criteria provided, single submitter. Criteria: Invitae Variant Classification Sherloc (09022015). Collection method: clinical testing. Allele origin: germline.
Comment: This sequence change replaces leucine, which is neutral and non-polar, with proline, which is neutral and non-polar, at codon 119 of the NOTCH1 protein (p.Leu119Pro). This variant is not present in population databases (gnomAD no frequency). This variant has not been reported in the literature in individuals affected with NOTCH1-related conditions. Advanced modeling of protein sequence and biophysical properties (such as structural, functional, and spatial information, amino acid conservation, physicochemical variation, residue mobility, and thermodynamic stability) performed at Invitae indicates that this missense variant is not expected to disrupt NOTCH1 protein function with a negative predictive value of 95%. In summary, the available evidence is currently insufficient to determine the role of this variant in disease. Therefore, it has been classified as a Variant of Uncertain Significance.

NM_017617.5(NOTCH1):c.356T>C (p.Leu119Pro)

Gene: NOTCH1 (notch receptor 1; minus strand). Cytogenetic location: 9q34.3.
Variant type: single nucleotide variant.
Coding change: c.356T>C on transcript NM_017617.5 (MANE Select); coding-DNA position 356, T replaced by C.
Protein change: p.Leu119Pro; replaces leucine 119 with proline.
Molecular consequence: missense variant.
Genome position (GRCh38, 1-based): chr9:136,523,764, A>G on the plus strand (T>C on the coding strand, the complement: NOTCH1 is on the minus strand). VCF-style: chr9-136523764-A-G. GRCh37 (hg19) VCF-style: chr9-139418216-A-G.
Other names: short protein forms L119P.
Identifiers: ClinVar variation 3635983 (VCV003635983.2).
Genomic context (GRCh38, chr9:136,523,764, plus strand): 5'-GGTCCTCCCTCACCTGACCAGCCGGGCGGGCAGCGGCACTTGTACTCCGTCAGCGTGAGC[A>G]GGTCGCAGGTGCCCCCGTTGCGGCAGGGGTTGGTGAGGCAGGCATTGTCCAGGGGTGTCA-3'
Protein context (NP_060087.3, residues 109-129): NPCRNGGTCD[Leu119Pro]LTLTEYKCRC